The following is an entry in ClinVar:

ClinVar aggregate classification (germline): Likely benign. Review status: criteria provided, multiple submitters, no conflicts (2 of 4 stars). 4 submissions from 4 submitters: Likely benign (4). Last evaluated 2023-10-06.

Conditions:
Cardiovascular phenotype. Identifiers: MedGen CN230736.
Catecholaminergic polymorphic ventricular tachycardia (CVPT). Also called: Catecholamine-induced polymorphic ventricular tachycardia. Identifiers: Orphanet 3286, MedGen C5574922, MONDO:0017990.
Catecholaminergic polymorphic ventricular tachycardia 1. Also called: VENTRICULAR TACHYCARDIA, CATECHOLAMINERGIC POLYMORPHIC, 1, WITH OR WITHOUT ATRIAL DYSFUNCTION AND/OR DILATED CARDIOMYOPATHY; RYR2-Related Catecholaminergic Polymorphic Ventricular Tachycardia; VENTRICULAR TACHYCARDIA, STRESS-INDUCED POLYMORPHIC 1. Identifiers: Orphanet 3286, MedGen C1631597, MONDO:0011484, OMIM 604772.
Cardiomyopathy (CMYO). Also called: Cardiomyopathies. Identifiers: Orphanet 167848, MedGen C0878544, MONDO:0004994, HP:0001638. Inheritance: Various modes of inheritance.

gnomAD v4.1: 3 of 1,609,918 alleles (0.00019%); highest among the groups gnomAD compares: Non-Finnish European, 0.00025%; no homozygotes.

Submissions (4):

All of Us Research Program, National Institutes of Health
Classification: Likely benign for Catecholaminergic polymorphic ventricular tachycardia. Last evaluated: 2023-10-06. Review status: criteria provided, single submitter. Criteria: ACMG Guidelines, 2015. Collection method: clinical testing. Allele origin: germline. Inheritance: Autosomal dominant inheritance. Observed: 1 variant allele, 1 heterozygote.
Comment: This study involves interpretation of variants in research participants for the purpose of population health screening. Participant phenotype was not available at the time of variant classification. Additional details can be found in publication PMID: 35346344, PMCID: PMC8962531

Labcorp Genetics (formerly Invitae), Labcorp
Classification: Likely benign for Catecholaminergic polymorphic ventricular tachycardia 1. Last evaluated: 2021-10-15. Review status: criteria provided, single submitter. Criteria: Invitae Variant Classification Sherloc (09022015). Collection method: clinical testing. Allele origin: germline.

Color Diagnostics, LLC DBA Color Health
Classification: Likely benign for Cardiomyopathy. Last evaluated: 2020-01-14. Review status: criteria provided, single submitter. Criteria: ACMG Guidelines, 2015. Collection method: clinical testing. Allele origin: germline.

Ambry Genetics
Classification: Likely benign for Cardiovascular phenotype. Last evaluated: 2019-11-24. Review status: criteria provided, single submitter. Criteria: Ambry Variant Classification Scheme 2023. Collection method: clinical testing. Allele origin: germline.

NM_001035.3(RYR2):c.13077C>T (p.Pro4359=)

Genes: RYR2 (ryanodine receptor 2; plus strand), LOC126806068 (BRD4-independent group 4 enhancer GRCh37_chr1:237947411-237948610; plus strand). Cytogenetic location: 1q43.
Variant type: single nucleotide variant.
Coding change: c.13077C>T on transcript NM_001035.3 (MANE Select); coding-DNA position 13077, C replaced by T.
Protein change: p.Pro4359=; no amino-acid change (proline 4359 retained).
Molecular consequence: synonymous variant.
Genome position (GRCh38, 1-based): chr1:237,784,789, C>T. VCF-style: chr1-237784789-C-T. GRCh37 (hg19) VCF-style: chr1-237948089-C-T.
Other names: c.13077C>T (NM_001035.2).
Identifiers: ClinVar variation 918908 (VCV000918908.14), dbSNP rs1695413897, ClinGen allele CA066927.